The following is an entry in ClinVar:

ClinVar aggregate classification (germline): Uncertain significance (1 of 4 stars; one submission).

Conditions:
Short-rib thoracic dysplasia 10 with or without polydactyly (SRTD10). Identifiers: Orphanet 474, MedGen C3810175, MONDO:0014284, OMIM 615630.
Retinitis pigmentosa 71 (RP71). Identifiers: Orphanet 791, MedGen C4225342, MONDO:0014618, OMIM 616394.

Submission:

Labcorp Genetics (formerly Invitae), Labcorp
Classification: Uncertain significance for Retinitis pigmentosa 71; Short-rib thoracic dysplasia 10 with or without polydactyly. Last evaluated: 2022-08-03. Review status: criteria provided, single submitter. Criteria: Invitae Variant Classification Sherloc (09022015). Collection method: clinical testing. Allele origin: germline.
Comment: In summary, the available evidence is currently insufficient to determine the role of this variant in disease. Therefore, it has been classified as a Variant of Uncertain Significance. Algorithms developed to predict the effect of missense changes on protein structure and function are either unavailable or do not agree on the potential impact of this missense change (SIFT: "Deleterious"; PolyPhen-2: "Benign"; Align-GVGD: "Class C0"). This variant has not been reported in the literature in individuals affected with IFT172-related conditions. This variant is not present in population databases (gnomAD no frequency). This sequence change replaces lysine, which is basic and polar, with asparagine, which is neutral and polar, at codon 821 of the IFT172 protein (p.Lys821Asn).

NM_015662.3(IFT172):c.2463G>T (p.Lys821Asn)

Gene: IFT172 (intraflagellar transport 172; minus strand). Cytogenetic location: 2p23.3.
Variant type: single nucleotide variant.
Coding change: c.2463G>T on transcript NM_015662.3 (MANE Select); coding-DNA position 2463, G replaced by T.
Protein change: p.Lys821Asn; replaces lysine 821 with asparagine.
Molecular consequence: missense variant.
Genome position (GRCh38, 1-based): chr2:27,461,073, C>A on the plus strand (G>T on the coding strand, the complement: IFT172 is on the minus strand). VCF-style: chr2-27461073-C-A. GRCh37 (hg19) VCF-style: chr2-27683940-C-A.
Other names: c.2397G>T, p.Lys799Asn (NM_001410739.1); short protein forms K799N, K821N.
Identifiers: ClinVar variation 1714884 (VCV001714884.5), dbSNP rs1219610636, ClinGen allele CA346383718.